The following is an entry in ClinVar:

ClinVar aggregate classification (germline): Pathogenic (1 of 4 stars; one submission).

Submission:

GeneDx
Classification: Pathogenic. Last evaluated: 2016-07-19. Review status: criteria provided, single submitter. Criteria: GeneDx Variant Classification (06012015). Collection method: clinical testing. Allele origin: germline. Affected: yes.
Comment: The I284X nonsense variant in the PHEX gene has been reported previously in association with X-linked hypophosphatemic rickets (Quinlan et al., 2012). This variant is predicted to cause loss of normal protein function either through protein truncation or nonsense-mediated mRNA decay. The variant was not observed in approximately 6,500 individuals of European and African American ancestry in the NHLBI Exome Sequencing Project, indicating it is not a common benign variant in these populations. Therefore, we consider this variant to be pathogenic.

NM_000444.6(PHEX):c.850del (p.Glu283_Ile284insTer)

Gene: PHEX (phosphate regulating endopeptidase homolog X-linked; plus strand). Cytogenetic location: Xp22.11.
Variant type: Deletion.
Coding change: c.850del on transcript NM_000444.6 (MANE Select); coding-DNA position 850, one base deleted (A; older notation c.850delA).
Protein change: p.Glu283_Ile284insTer.
Molecular consequence: nonsense.
Genome position (GRCh38, 1-based): chrX:22,096,955, A deleted. VCF-style (leftmost placement, unchanged base first): chrX-22096954-GA-G. GRCh37 (hg19) VCF-style: chrX-22115072-GA-G.
Other names: c.850del, p.Glu283_Ile284insTer (NM_001282754.2).
Identifiers: ClinVar variation 265501 (VCV000265501.2), dbSNP rs886039582, ClinGen allele CA10588758.